The following is an entry in ClinVar:

ClinVar aggregate classification (germline): Uncertain significance (1 of 4 stars; one submission).

Submission:

GeneDx
Classification: Uncertain significance. Last evaluated: 2024-12-17. Review status: criteria provided, single submitter. Criteria: GeneDx Variant Classification Process June 2021. Collection method: clinical testing. Allele origin: germline. Affected: yes.
Comment: Not observed at significant frequency in large population cohorts (gnomAD); In silico analysis supports that this missense variant has a deleterious effect on protein structure/function; Has not been previously published as pathogenic or benign to our knowledge

NM_005413.4(SIX3):c.554T>C (p.Leu185Pro)

Gene: SIX3 (SIX homeobox 3; plus strand). Cytogenetic location: 2p21.
Variant type: single nucleotide variant.
Coding change: c.554T>C on transcript NM_005413.4 (MANE Select); coding-DNA position 554, T replaced by C.
Protein change: p.Leu185Pro; replaces leucine 185 with proline.
Molecular consequence: missense variant.
Genome position (GRCh38, 1-based): chr2:44,942,658, T>C. VCF-style: chr2-44942658-T-C. GRCh37 (hg19) VCF-style: chr2-45169797-T-C.
Other names: short protein forms L185P.
Identifiers: ClinVar variation 3906834 (VCV003906834.1).